The following is an entry in ClinVar:

NM_005529.7(HSPG2):c.11685C>G (p.Pro3895=)

Gene: HSPG2 (heparan sulfate proteoglycan 2; minus strand). Cytogenetic location: 1p36.12.
Variant type: single nucleotide variant.
Coding change: c.11685C>G on transcript NM_005529.7 (MANE Select); coding-DNA position 11685, C replaced by G.
Protein change: p.Pro3895=; no amino-acid change (proline 3895 retained).
Molecular consequence: synonymous variant.
Genome position (GRCh38, 1-based): chr1:21,830,078, G>C on the plus strand (C>G on the coding strand, the complement: HSPG2 is on the minus strand). VCF-style: chr1-21830078-G-C. GRCh37 (hg19) VCF-style: chr1-22156571-G-C.
Other names: c.11688C>G, p.Pro3896= (NM_001291860.2).
Identifiers: ClinVar variation 780221 (VCV000780221.27), dbSNP rs62642501, ClinGen allele CA669670.
Genomic context (GRCh38, chr1:21,830,078, plus strand): 5'-GCCCAGGTGGCAGCGGCAGGTGTAGCCTCGACCGTCAGGCCGGTTCACACAGGTGGCGTC[G>C]GGCCCACAGGCCTCTGGGGGGCACATAGGCCAGTGAAAAGACACGGAGGTGACTCTGGAG-3'
Protein context (NP_005520.4, residues 3885-3905): ALHCHPEACG[Pro3895=]DATCVNRPDG

ClinVar aggregate classification (germline): Benign/Likely benign. Review status: criteria provided, multiple submitters, no conflicts (2 of 4 stars). 8 submissions from 7 submitters: Benign (5); Likely benign (3). Last evaluated 2026-01-17.

Conditions:
Lethal Kniest-like syndrome (DDSH). Also called: Dyssegmental Dysplasia. Identifiers: Orphanet 1865, MedGen C1857100, MONDO:0009140, OMIM 224410.
Schwartz-Jampel syndrome. Also called: Myotonic myopathy dwarfism chondrodystrophy and ocular and facial abnormalities. Identifiers: Orphanet 800, MedGen C0036391, MONDO:0009717.

Allele frequency attached by ClinVar (database versions not stated): 1000 Genomes Project 0.00220; 1000 Genomes Project 30x 0.00265; ESP Exome Variant Server 0.00285; TOPMed 0.00297.
gnomAD v4.1: 886 of 1,597,792 alleles (0.055%); highest among the groups gnomAD compares: African/African-American, 0.95%; 4 homozygotes.

Submissions (8):

Labcorp Genetics (formerly Invitae), Labcorp
Classification: Benign. Last evaluated: 2026-01-17. Review status: criteria provided, single submitter. Criteria: Invitae Variant Classification Sherloc (09022015). Collection method: clinical testing. Allele origin: germline.

Athena Diagnostics
Classification: Benign. Last evaluated: 2024-12-11. Review status: criteria provided, single submitter. Criteria: Athena Diagnostics Criteria. Collection method: clinical testing. Allele origin: unknown.
Comment: The frequency of this variant in the general population is higher than would generally be expected for pathogenic variants in this gene. Computational tools yielded predictions that this variant is unlikely to have an effect on normal RNA splicing. This nucleotide position exhibits low evolutionary conservation.

Blueprint Genetics
Classification: Likely benign. Last evaluated: 2024-10-11. Review status: criteria provided, single submitter. Criteria: ACMG Guidelines, 2015. Collection method: clinical testing. Allele origin: germline.

ARUP Laboratories, Molecular Genetics and Genomics, ARUP Laboratories
Classification: Benign. Last evaluated: 2021-05-12. Review status: criteria provided, single submitter. Criteria: ARUP Molecular Germline Variant Investigation Process 2021. Collection method: clinical testing. Allele origin: germline.

GeneDx
Classification: Likely benign. Last evaluated: 2020-05-05. Review status: criteria provided, single submitter. Criteria: GeneDx Variant Classification Process June 2021. Collection method: clinical testing. Allele origin: germline. Affected: yes.

Illumina Laboratory Services, Illumina
Classification: Benign for Lethal Kniest-like syndrome. Last evaluated: 2018-01-13. Review status: criteria provided, single submitter. Criteria: ICSL Variant Classification Criteria 13 December 2019. Collection method: clinical testing. Allele origin: germline.
Comment: This variant was observed in the ICSL laboratory as part of a predisposition screen in an ostensibly healthy population. It had not been previously curated by ICSL or reported in the Human Gene Mutation Database (HGMD: prior to June 1st, 2018), and was therefore a candidate for classification through an automated scoring system. Utilizing variant allele frequency, disease prevalence and penetrance estimates, and inheritance mode, an automated score was calculated to assess if this variant is too frequent to cause the disease. Based on the score and internal cut-off values, a variant classified as benign is not then subjected to further curation. The score for this variant resulted in a classification of benign for this disease.

Illumina Laboratory Services, Illumina
Classification: Benign for Schwartz-Jampel syndrome type 1. Last evaluated: 2018-01-13. Review status: criteria provided, single submitter. Criteria: ICSL Variant Classification Criteria 13 December 2019. Collection method: clinical testing. Allele origin: germline.
Comment: the same text as in the submission from Illumina Laboratory Services, Illumina above.

Breakthrough Genomics
Classification: Likely benign. Review status: criteria provided, single submitter. Criteria: ACMG Guidelines, 2015. Collection method: not provided. Allele origin: germline. Inheritance: Autosomal recessive inheritance. Affected: yes.